The following is an entry in ClinVar:

ClinVar aggregate classification (germline): Likely benign. Review status: criteria provided, single submitter (1 of 4 stars). 2 submissions from 2 submitters: Likely benign (1). 1 of the submissions does not count toward it. Last evaluated 2025-08-31.

Conditions:
MRTFA-related disorder. Also called: MRTFA-related condition.

gnomAD v4.1: 23 of 1,587,694 alleles (0.0014%); highest among the groups gnomAD compares: Non-Finnish European, 0.0019%; no homozygotes.

Submissions (2):

Labcorp Genetics (formerly Invitae), Labcorp
Classification: Likely benign. Last evaluated: 2025-08-31. Review status: criteria provided, single submitter. Criteria: Invitae Variant Classification Sherloc (09022015). Collection method: clinical testing. Allele origin: germline.

PreventionGenetics, part of Exact Sciences
Classification: Likely benign for MRTFA-related condition. Last evaluated: 2020-09-22. Review status: no assertion criteria provided. Collection method: clinical testing. Allele origin: germline. Not counted in ClinVar's aggregate classification.
Comment: This variant is classified as likely benign based on ACMG/AMP sequence variant interpretation guidelines (Richards et al. 2015 PMID: 25741868, with internal and published modifications).

NM_020831.6(MRTFA):c.2784C>T (p.Thr928=)

Gene: MRTFA (myocardin related transcription factor A; minus strand). Cytogenetic location: 22q13.1.
Variant type: single nucleotide variant.
Coding change: c.2784C>T on transcript NM_020831.6 (MANE Select); coding-DNA position 2784, C replaced by T.
Protein change: p.Thr928=; no amino-acid change (threonine 928 retained).
Molecular consequence: synonymous variant. On other transcripts: 3 prime UTR variant (1).
Genome position (GRCh38, 1-based): chr22:40,411,702, G>A on the plus strand (C>T on the coding strand, the complement: MRTFA is on the minus strand). VCF-style: chr22-40411702-G-A. GRCh37 (hg19) VCF-style: chr22-40807706-G-A.
Other names: c.2484C>T (NM_020831.4); c.2484C>T, p.Thr828= (NM_001282660.2); c.2634C>T, p.Thr878= (NM_001282661.3); c.*97C>T (NM_001282662.3); c.2589C>T, p.Thr863= (NM_001318139.2).
Identifiers: ClinVar variation 2139156 (VCV002139156.6), dbSNP rs769098647, ClinGen allele CA10249217.